The following is an entry in ClinVar:

ClinVar aggregate classification (germline): Uncertain significance (1 of 4 stars; one submission).

gnomAD v4.1: 1 of 1,614,128 alleles (0.000062%); no homozygotes.

Submission:

Dasa
Classification: Uncertain significance. Last evaluated: 2024-08-03. Review status: criteria provided, single submitter. Criteria: DASA Assertion Criteria. Collection method: clinical testing. Allele origin: germline.
Comment: NM_153717.3(EVC):c.1580C>A (p.Thr527Asn) is a missense variant that results in the substitution of threonine with asparagine. This variant is rare in population databases. Computational prediction algorithms are consistent with a benign effect. The currently available literature and clinical evidence are not sufficient to establish a definitive association between this variant and the reported condition. Therefore, this variant is classified as a variant of uncertain significance.

NM_153717.3(EVC):c.1580C>A (p.Thr527Asn)

Gene: EVC (EvC ciliary complex subunit 1; plus strand). Cytogenetic location: 4p16.2.
Variant type: single nucleotide variant.
Coding change: c.1580C>A on transcript NM_153717.3 (MANE Select); coding-DNA position 1580, C replaced by A.
Protein change: p.Thr527Asn; replaces threonine 527 with asparagine.
Molecular consequence: missense variant.
Genome position (GRCh38, 1-based): chr4:5,783,568, C>A. VCF-style: chr4-5783568-C-A. GRCh37 (hg19) VCF-style: chr4-5785295-C-A.
Other names: c.1580C>A, p.Thr527Asn (NM_001306090.2); short protein forms T527N.
Identifiers: ClinVar variation 4880923 (VCV004880923.2).